The following is an entry in ClinVar:

NM_014014.5(SNRNP200):c.601G>A (p.Val201Met)

Gene: SNRNP200 (small nuclear ribonucleoprotein U5 subunit 200; minus strand). Cytogenetic location: 2q11.2.
Variant type: single nucleotide variant.
Coding change: c.601G>A on transcript NM_014014.5 (MANE Select); coding-DNA position 601, G replaced by A.
Protein change: p.Val201Met; replaces valine 201 with methionine.
Molecular consequence: missense variant.
Genome position (GRCh38, 1-based): chr2:96,301,027, C>T on the plus strand (G>A on the coding strand, the complement: SNRNP200 is on the minus strand). VCF-style: chr2-96301027-C-T. GRCh37 (hg19) VCF-style: chr2-96966765-C-T.
Other names: short protein forms V201M.
Identifiers: ClinVar variation 2811412 (VCV002811412.4), dbSNP rs2467356472, ClinGen allele CA347687445.

ClinVar aggregate classification (germline): Uncertain significance. Review status: criteria provided, multiple submitters, no conflicts (2 of 4 stars). 2 submissions from 2 submitters: Uncertain significance (2). Last evaluated 2023-09-28.

Allele frequency attached by ClinVar (database versions not stated): gnomAD exomes below 0.00001.
gnomAD v4.1: 4 of 1,613,970 alleles (0.00025%); highest among the groups gnomAD compares: Non-Finnish European, 0.00025%; no homozygotes.

Submissions (2):

Labcorp Genetics (formerly Invitae), Labcorp
Classification: Uncertain significance. Last evaluated: 2023-09-28. Review status: criteria provided, single submitter. Criteria: Invitae Variant Classification Sherloc (09022015). Collection method: clinical testing. Allele origin: germline.
Comment: In summary, the available evidence is currently insufficient to determine the role of this variant in disease. Therefore, it has been classified as a Variant of Uncertain Significance. Advanced modeling of protein sequence and biophysical properties (such as structural, functional, and spatial information, amino acid conservation, physicochemical variation, residue mobility, and thermodynamic stability) has been performed at Invitae for this missense variant, however the output from this modeling did not meet the statistical confidence thresholds required to predict the impact of this variant on SNRNP200 protein function. This variant has not been reported in the literature in individuals affected with SNRNP200-related conditions. This variant is not present in population databases (gnomAD no frequency). This sequence change replaces valine, which is neutral and non-polar, with methionine, which is neutral and non-polar, at codon 201 of the SNRNP200 protein (p.Val201Met).

Blueprint Genetics
Classification: Uncertain significance. Last evaluated: 2021-09-03. Review status: criteria provided, single submitter. Criteria: ACMG Guidelines, 2015. Collection method: clinical testing. Allele origin: germline.